The following is an entry in ClinVar:

ClinVar aggregate classification (germline): Uncertain significance (1 of 4 stars; one submission).

Conditions:
Progressive sclerosing poliodystrophy (MTDPS4A). Also called: ALPERS PROGRESSIVE INFANTILE POLIODYSTROPHY; NEURONAL DEGENERATION OF CHILDHOOD WITH LIVER DISEASE, PROGRESSIVE; Alpers Syndrome; ALPERS DIFFUSE DEGENERATION OF CEREBRAL GRAY MATTER WITH HEPATIC CIRRHOSIS; Alpers-Huttenlocher Syndrome; Mitochondrial DNA depletion syndrome 4A (Alpers type). Identifiers: Orphanet 726, MedGen C0205710, MONDO:0008758, OMIM 203700.

Allele frequency attached by ClinVar (database versions not stated): TOPMed 0.00001.
gnomAD v4.1: 17 of 1,613,186 alleles (0.0011%); highest among the groups gnomAD compares: Non-Finnish European, 0.0014%; no homozygotes.

Submission:

Labcorp Genetics (formerly Invitae), Labcorp
Classification: Uncertain significance for Progressive sclerosing poliodystrophy. Last evaluated: 2025-09-07. Review status: criteria provided, single submitter. Criteria: Invitae Variant Classification Sherloc (09022015). Collection method: clinical testing. Allele origin: germline.
Comment: This sequence change replaces serine, which is neutral and polar, with glycine, which is neutral and non-polar, at codon 306 of the POLG protein (p.Ser306Gly). This variant is not present in population databases (gnomAD no frequency). This variant has not been reported in the literature in individuals affected with POLG-related conditions. ClinVar contains an entry for this variant (Variation ID: 1421372). Invitae Evidence Modeling of protein sequence and biophysical properties (such as structural, functional, and spatial information, amino acid conservation, physicochemical variation, residue mobility, and thermodynamic stability) indicates that this missense variant is not expected to disrupt POLG protein function with a negative predictive value of 95%. In summary, the available evidence is currently insufficient to determine the role of this variant in disease. Therefore, it has been classified as a Variant of Uncertain Significance.

NM_002693.3(POLG):c.916A>G (p.Ser306Gly)

Gene: POLG (DNA polymerase gamma, catalytic subunit; minus strand). Cytogenetic location: 15q26.1.
Variant type: single nucleotide variant.
Coding change: c.916A>G on transcript NM_002693.3 (MANE Select); coding-DNA position 916, A replaced by G.
Protein change: p.Ser306Gly; replaces serine 306 with glycine.
Molecular consequence: missense variant.
Genome position (GRCh38, 1-based): chr15:89,329,050, T>C on the plus strand (A>G on the coding strand, the complement: POLG is on the minus strand). VCF-style: chr15-89329050-T-C. GRCh37 (hg19) VCF-style: chr15-89872281-T-C.
Other names: c.916A>G, p.Ser306Gly (NM_001126131.2); short protein forms S306G.
Identifiers: ClinVar variation 1421372 (VCV001421372.8), dbSNP rs896972079, ClinGen allele CA274558895.